The following is an entry in ClinVar:

NM_000059.4(BRCA2):c.905C>G (p.Thr302Ser)

Gene: BRCA2 (BRCA2 DNA repair associated; plus strand). Cytogenetic location: 13q13.1.
Variant type: single nucleotide variant.
Coding change: c.905C>G on transcript NM_000059.4 (MANE Select); coding-DNA position 905, C replaced by G.
Protein change: p.Thr302Ser; replaces threonine 302 with serine.
Molecular consequence: missense variant.
Genome position (GRCh38, 1-based): chr13:32,332,383, C>G. VCF-style: chr13-32332383-C-G. GRCh37 (hg19) VCF-style: chr13-32906520-C-G.
Other names: short protein forms T302S.
Identifiers: ClinVar variation 52737 (VCV000052737.24), dbSNP rs80359158, ClinGen allele CA025951.

ClinVar aggregate classification (germline): Conflicting classifications of pathogenicity. Review status: criteria provided, conflicting classifications (1 of 4 stars). 9 submissions from 9 submitters: Uncertain significance (6); Likely benign (2). 1 of the submissions does not count toward it. Last evaluated 2025-12-22.

Conditions:
Hereditary breast ovarian cancer syndrome. Also called: Hereditary breast and ovarian cancer syndrome; Hereditary breast and ovarian cancer; Hereditary breast and ovarian cancer syndrome (HBOC); Breast and ovarian cancer; Hereditary breast and/or ovarian cancer syndrome; BRCA1- and BRCA2-Associated Hereditary Breast and Ovarian Cancer. Identifiers: Orphanet 145, MedGen C0677776, MeSH D061325, MONDO:0003582. Disease mechanism: loss of function.
Hereditary cancer-predisposing syndrome. Also called: Neoplastic Syndromes, Hereditary; Tumor predisposition; Hereditary neoplastic syndrome; Hereditary Cancer Syndrome. Identifiers: Orphanet 140162, MedGen C0027672, MeSH D009386, MONDO:0015356.
Breast-ovarian cancer, familial, susceptibility to, 2 (BROVCA2). Also called: BRCA2 Hereditary Breast and Ovarian Cancer. Identifiers: Orphanet 145, MedGen C2675520, MONDO:0012933, OMIM 612555. Disease mechanism: loss of function.

gnomAD v4.1: 31 of 1,592,318 alleles (0.0019%); highest among the groups gnomAD compares: South Asian, 0.033%; no homozygotes.

Submissions (9):

Labcorp Genetics (formerly Invitae), Labcorp
Classification: Uncertain significance for Hereditary breast ovarian cancer syndrome. Last evaluated: 2025-12-22. Review status: criteria provided, single submitter. Criteria: Invitae Variant Classification Sherloc (09022015). Collection method: clinical testing. Allele origin: germline.
Comment: This sequence change replaces threonine, which is neutral and polar, with serine, which is neutral and polar, at codon 302 of the BRCA2 protein (p.Thr302Ser). This variant is present in population databases (rs80359158, gnomAD 0.02%). This missense change has been observed in individual(s) with BRCA2-related conditions (PMID: 33552952). ClinVar contains an entry for this variant (Variation ID: 52737). Invitae Evidence Modeling of protein sequence and biophysical properties (such as structural, functional, and spatial information, amino acid conservation, physicochemical variation, residue mobility, and thermodynamic stability) indicates that this missense variant is not expected to disrupt BRCA2 protein function with a negative predictive value of 95%. In summary, the available evidence is currently insufficient to determine the role of this variant in disease. Therefore, it has been classified as a Variant of Uncertain Significance.

Ambry Genetics
Classification: Likely benign for Hereditary cancer-predisposing syndrome. Last evaluated: 2025-09-26. Review status: criteria provided, single submitter. Criteria: Ambry Variant Classification Scheme 2023. Collection method: clinical testing. Allele origin: germline.

All of Us Research Program, National Institutes of Health
Classification: Uncertain significance for Breast-ovarian cancer, familial, susceptibility to, 2. Last evaluated: 2023-11-20. Review status: criteria provided, single submitter. Criteria: ACMG Guidelines, 2015. Collection method: clinical testing. Allele origin: germline. Inheritance: Autosomal dominant inheritance. Observed: 1 variant allele, 1 heterozygote.
Comment: This missense variant replaces threonine with serine at codon 302 of the BRCA2 protein. Computational prediction suggests that this variant may not impact protein structure and function (internally defined REVEL score threshold <= 0.5, PMID: 27666373). To our knowledge, functional studies have not been reported for this variant. This variant has been detected in at least two individuals affected with breast or ovarian cancer (PMID: 33471991; Leiden Open Variation Database DB-ID BRCA2_007260, 33552952). This variant has been identified in 6/239016 chromosomes in the general population by the Genome Aggregation Database (gnomAD). The available evidence is insufficient to determine the role of this variant in disease conclusively. Therefore, this variant is classified as a Variant of Uncertain Significance.

This study involves interpretation of variants in research participants for the purpose of population health screening. Participant phenotype was not available at the time of variant classification. Additional details can be found in publication PMID: 35346344, PMCID: PMC8962531

Color Diagnostics, LLC DBA Color Health
Classification: Uncertain significance for Hereditary cancer-predisposing syndrome. Last evaluated: 2023-10-25. Review status: criteria provided, single submitter. Criteria: ACMG Guidelines, 2015. Collection method: clinical testing. Allele origin: germline.
Comment: This missense variant replaces threonine with serine at codon 302 of the BRCA2 protein. Computational prediction suggests that this variant may not impact protein structure and function (internally defined REVEL score threshold <= 0.5, PMID: 27666373). To our knowledge, functional studies have not been reported for this variant. This variant has been detected in at least two individuals affected with breast or ovarian cancer (PMID: 33471991; Leiden Open Variation Database DB-ID BRCA2_007260, 33552952). This variant has been identified in 6/239016 chromosomes in the general population by the Genome Aggregation Database (gnomAD). The available evidence is insufficient to determine the role of this variant in disease conclusively. Therefore, this variant is classified as a Variant of Uncertain Significance.

KCCC/NGS Laboratory, Kuwait Cancer Control Center
Classification: Uncertain significance for Breast-ovarian cancer, familial, susceptibility to, 2. Last evaluated: 2023-06-06. Review status: criteria provided, single submitter. Criteria: ACMG Guidelines, 2015. Collection method: clinical testing. Allele origin: germline. Affected: yes.
Comment: This sequence change replaces threonine with serine at codon 302 of the BRCA2 protein (p.Thr302Ser). The threonine residue is weakly conserved and there is a small physicochemical difference between threonine and serine. This variant is present in population databases (rs80359158, ExAC 0.02%). This variant has not been reported in the literature in individuals affected with BRCA2-related conditions. ClinVar contains an entry for this variant (Variation ID: 52737). Algorithms developed to predict the effect of missense changes on protein structure and function (SIFT, PolyPhen-2, Align-GVGD) all suggest that this variant is likely to be tolerated. In summary, the available evidence is currently insufficient to determine the role of this variant in disease. Therefore, it has been classified as a Variant of Uncertain Significance.

University of Washington Department of Laboratory Medicine, University of Washington
Classification: Likely benign for Hereditary cancer-predisposing syndrome. Last evaluated: 2023-03-23. Review status: criteria provided, single submitter. Criteria: Dines et al. (Genet Med. 2020). Collection method: curation. Allele origin: germline.
Comment: Missense variant in a coldspot region where missense variants are very unlikely to be pathogenic (PMID:31911673).

BRCA2 exon 10 coldspot. Reclassification based on statistical prior probability.

Quest Diagnostics Nichols Institute San Juan Capistrano
Classification: Uncertain significance. Last evaluated: 2017-10-27. Review status: criteria provided, single submitter. Criteria: Quest Diagnostics criteria. Collection method: clinical testing. Allele origin: germline.

Neuberg Centre For Genomic Medicine, NCGM
Classification: Uncertain significance for Breast-ovarian cancer, familial, susceptibility to, 2. Review status: criteria provided, single submitter. Criteria: ACMG Guidelines, 2015. Collection method: clinical testing. Allele origin: germline. Inheritance: Autosomal dominant inheritance. Affected: yes.
Comment: The missense variant c.905C>G(p.Thr302Ser) in BRCA2 gene has been submitted to ClinVar as a Variant of Uncertain Significance, but no details are available for independent assessment. It has not been reported in affected individuals. The p.Thr302Ser variant is observed in 0.002% alleles from individuals in gnomAD Exomes and is novel (not in any individuals) in 1000 Genomes. The amino acid Thr at position 302 is changed to a Ser changing protein sequence and it might alter its composition and physico-chemical properties The variant is predicted to be damaging by SIFT and the residue is conserved across species. The amino acid change p.Thr302Ser in BRCA2 is predicted as conserved by GERP++ and PhyloP across 100 vertebrates. For these reasons, this variant has been classified as Uncertain Significance.

Breast Cancer Information Core (BIC) (BRCA2)
Classification: Uncertain significance for Breast-ovarian cancer, familial 2. Last evaluated: 2004-02-20. Review status: no assertion criteria provided. Collection method: clinical testing. Allele origin: germline. Affected: yes. Observed: 1 variant allele. Not counted in ClinVar's aggregate classification.

Literature cited by the submitters: PubMed 33552952 (cited by 3 submitters); PubMed 33471991 (cited by All of Us Research Program, National Institutes of Health and Color Diagnostics, LLC DBA Color Health).